The following is an entry in ClinVar:

ClinVar aggregate classification (germline): Uncertain significance (1 of 4 stars; one submission).

Conditions:
Cardiovascular phenotype. Identifiers: MedGen CN230736.

Submission:

Ambry Genetics
Classification: Uncertain significance for Cardiovascular phenotype. Last evaluated: 2025-10-25. Review status: criteria provided, single submitter. Criteria: Ambry Variant Classification Scheme 2023. Collection method: clinical testing. Allele origin: germline.
Comment: The p.H1184Y variant (also known as c.3550C>T), located in coding exon 26 of the LAMA4 gene, results from a C to T substitution at nucleotide position 3550. The histidine at codon 1184 is replaced by tyrosine, an amino acid with similar properties. This amino acid position is conserved. In addition, the in silico prediction for this alteration is inconclusive. Based on the available evidence, the clinical significance of this variant remains unclear.

NM_001105206.3(LAMA4):c.3571C>T (p.His1191Tyr)

Gene: LAMA4 (laminin subunit alpha 4; minus strand). Cytogenetic location: 6q21.
Variant type: single nucleotide variant.
Coding change: c.3571C>T on transcript NM_001105206.3 (MANE Select); coding-DNA position 3571, C replaced by T.
Protein change: p.His1191Tyr; replaces histidine 1191 with tyrosine.
Molecular consequence: missense variant.
Genome position (GRCh38, 1-based): chr6:112,133,474, G>A on the plus strand (C>T on the coding strand, the complement: LAMA4 is on the minus strand). VCF-style: chr6-112133474-G-A. GRCh37 (hg19) VCF-style: chr6-112454676-G-A.
Other names: c.3550C>T, p.His1184Tyr (NM_001105207.3, NM_002290.5); short protein forms H1184Y, H1191Y.
Identifiers: ClinVar variation 4614444 (VCV004614444.1).